The following is an entry in ClinVar:

ClinVar aggregate classification (germline): Uncertain significance (1 of 4 stars; one submission).

Conditions:
Cystic fibrosis (CF). Also called: MUCOVISCIDOSIS. Identifiers: Orphanet 586, MedGen C0010674, MONDO:0009061, OMIM 219700. Disease mechanism: loss of function.

Allele frequency attached by ClinVar (database versions not stated): gnomAD exomes below 0.00001.

Submission:

Ambry Genetics
Classification: Uncertain significance for Cystic fibrosis. Last evaluated: 2021-02-08. Review status: criteria provided, single submitter. Criteria: Ambry Variant Classification Scheme 2023. Collection method: clinical testing. Allele origin: germline.
Comment: The c.1210-5A>G intronic variant results from an A to G substitution 5 nucleotides upstream from coding exon 10 in the CFTR gene. This nucleotide position is not well conserved in available vertebrate species. In silico splice site analysis predicts that this alteration will not have any significant effect on splicing. Since supporting evidence is limited at this time, the clinical significance of this alteration remains unclear.

NM_000492.4(CFTR):c.1210-5A>G

Genes: CFTR-AS1 (CFTR antisense RNA 1; minus strand), CFTR (CF transmembrane conductance regulator; plus strand). Cytogenetic location: 7q31.2.
Variant type: single nucleotide variant.
Coding change: c.1210-5A>G on transcript NM_000492.4 (MANE Select); 5 bases into the intron before coding-DNA position 1210, A replaced by G.
Molecular consequence: intron variant.
Genome position (GRCh38, 1-based): chr7:117,548,636, A>G. VCF-style: chr7-117548636-A-G. GRCh37 (hg19) VCF-style: chr7-117188690-A-G.
Identifiers: ClinVar variation 1750234 (VCV001750234.2), dbSNP rs1294629507, ClinGen allele CA577680194.